The following is an entry in ClinVar:

ClinVar aggregate classification (germline): Pathogenic (1 of 4 stars; one submission).

Conditions:
Neurofibromatosis, type 1 (NF1). Also called: VON RECKLINGHAUSEN DISEASE; NEUROFIBROMATOSIS, TYPE I, SOMATIC; Peripheral type neurofibromatosis; Neurofibromatosis, type I. Identifiers: Orphanet 636, MedGen C0027831, MONDO:0018975, OMIM 162200. Disease mechanism: loss of function.

Submission:

Labcorp Genetics (formerly Invitae), Labcorp
Classification: Pathogenic for Neurofibromatosis, type 1. Last evaluated: 2018-06-18. Review status: criteria provided, single submitter. Criteria: Invitae Variant Classification Sherloc (09022015). Collection method: clinical testing. Allele origin: germline.
Comment: This variant is not present in population databases (ExAC no frequency). This sequence change creates a premature translational stop signal (p.Arg1488Leufs*65) in the NF1 gene. It is expected to result in an absent or disrupted protein product. This variant has not been reported in the literature in individuals with NF1-related disease. For these reasons, this variant has been classified as Pathogenic. Loss-of-function variants in NF1 are known to be pathogenic (PMID: 10712197, 23913538).

Literature cited by the submitters: PubMed 10712197; PubMed 23913538.

NM_001042492.3(NF1):c.4526del (p.Arg1509fs)

Gene: NF1 (neurofibromin 1; plus strand). Cytogenetic location: 17q11.2.
Variant type: Deletion.
Coding change: c.4526del on transcript NM_001042492.3 (MANE Select); coding-DNA position 4526, one base deleted (G; older notation c.4526delG).
Protein change: p.Arg1509fs; shifts the reading frame from arginine 1509.
Molecular consequence: frameshift variant.
Genome position (GRCh38, 1-based): chr17:31,260,464, G deleted. VCF-style (leftmost placement, unchanged base first): chr17-31260463-CG-C. GRCh37 (hg19) VCF-style: chr17-29587481-CG-C.
Other names: c.4463delG (NM_000267.3); c.4463delG, p.Arg1488Leufs (NM_000267.4); short protein forms R1488fs, R1509fs.
Identifiers: ClinVar variation 568205 (VCV000568205.5), dbSNP rs1567862956, ClinGen allele CA891843827.
Genomic context (GRCh38, chr17:31,260,463, plus strand): 5'-AGTGATGCAGTAAATCATAGTCTTTCCTTCATAAGTGACGGCAATGTGCTTGCTTTACAT[CG>C]TCTACTCTGGAACAATCAGGAGAAAATTGGGCAGTATCTTTCCAGCAACAGGTAAGATTT-3'